The following is an entry in ClinVar:

NM_005751.5(AKAP9):c.8212G>C (p.Asp2738His)

Gene: AKAP9 (A-kinase anchoring protein 9; plus strand). Cytogenetic location: 7q21.2.
Variant type: single nucleotide variant.
Coding change: c.8212G>C on transcript NM_005751.5 (MANE Select); coding-DNA position 8212, G replaced by C.
Protein change: p.Asp2738His; replaces aspartic acid 2738 with histidine.
Molecular consequence: missense variant.
Genome position (GRCh38, 1-based): chr7:92,083,221, G>C. VCF-style: chr7-92083221-G-C. GRCh37 (hg19) VCF-style: chr7-91712535-G-C.
Other names: c.2857G>C, p.Asp953His (NM_001379277.1); c.8188G>C, p.Asp2730His (NM_147185.3); short protein forms D2738H, D2730H, D953H.
Identifiers: ClinVar variation 190511 (VCV000190511.13), dbSNP rs773428761, ClinGen allele CA300669.

ClinVar aggregate classification (germline): Conflicting classifications of pathogenicity. Review status: criteria provided, conflicting classifications (1 of 4 stars). 4 submissions from 4 submitters: Uncertain significance (3); Likely benign (1). Last evaluated 2026-01-10.

Conditions:
Cardiovascular phenotype. Identifiers: MedGen CN230736.
Long QT syndrome (LQTS). Identifiers: MedGen C0023976, MeSH D008133, MONDO:0002442. Disease mechanism: loss of function. Inheritance: Various modes of inheritance.
Long QT syndrome 11 (LQT11). Identifiers: Orphanet 101016, Orphanet 768, MedGen C2678483, MONDO:0012738, OMIM 611820.

Allele frequency attached by ClinVar (database versions not stated): gnomAD 0.00001; gnomAD exomes 0.00001; TOPMed 0.00001; ExAC 0.00002.
gnomAD v4.1: 9 of 1,613,894 alleles (0.00056%); highest among the groups gnomAD compares: Non-Finnish European, 0.00076%; no homozygotes.

Submissions (4):

Ambry Genetics
Classification: Uncertain significance for Cardiovascular phenotype. Last evaluated: 2026-01-10. Review status: criteria provided, single submitter. Criteria: Ambry Variant Classification Scheme 2023. Collection method: clinical testing. Allele origin: germline.
Comment: The p.D2738H variant (also known as c.8212G>C), located in coding exon 33 of the AKAP9 gene, results from a G to C substitution at nucleotide position 8212. The aspartic acid at codon 2738 is replaced by histidine, an amino acid with similar properties. This amino acid position is conserved. In addition, this alteration is predicted to be tolerated by in silico analysis. Based on the available evidence, the clinical significance of this variant remains unclear.

Labcorp Genetics (formerly Invitae), Labcorp
Classification: Uncertain significance for Long QT syndrome. Last evaluated: 2025-11-10. Review status: criteria provided, single submitter. Criteria: Invitae Variant Classification Sherloc (09022015). Collection method: clinical testing. Allele origin: germline.
Comment: This sequence change replaces aspartic acid, which is acidic and polar, with histidine, which is basic and polar, at codon 2738 of the AKAP9 protein (p.Asp2738His). This variant is present in population databases (rs773428761, gnomAD 0.002%). This variant has not been reported in the literature in individuals affected with AKAP9-related conditions. ClinVar contains an entry for this variant (Variation ID: 190511). An algorithm developed to predict the effect of missense changes on protein structure and function outputs the following: PolyPhen-2: "Possibly Damaging". The histidine amino acid residue is found in multiple mammalian species, which suggests that this missense change does not adversely affect protein function. In summary, the available evidence is currently insufficient to determine the role of this variant in disease. Therefore, it has been classified as a Variant of Uncertain Significance.

Blueprint Genetics
Classification: Likely benign. Last evaluated: 2024-10-24. Review status: criteria provided, single submitter. Criteria: ACMG Guidelines, 2015. Collection method: clinical testing. Allele origin: germline.

Fulgent Genetics
Classification: Uncertain significance for Long QT syndrome 11. Last evaluated: 2021-12-27. Review status: criteria provided, single submitter. Criteria: ACMG Guidelines, 2015. Collection method: clinical testing. Allele origin: unknown.